The following is an entry in ClinVar:

NM_025077.4(TOE1):c.1160A>G (p.Asp387Gly)

Gene: TOE1 (target of EGR1, exonuclease; plus strand). Cytogenetic location: 1p34.1.
Variant type: single nucleotide variant.
Coding change: c.1160A>G on transcript NM_025077.4 (MANE Select); coding-DNA position 1160, A replaced by G.
Protein change: p.Asp387Gly; replaces aspartic acid 387 with glycine.
Molecular consequence: missense variant.
Genome position (GRCh38, 1-based): chr1:45,343,329, A>G. VCF-style: chr1-45343329-A-G. GRCh37 (hg19) VCF-style: chr1-45809001-A-G.
Other names: short protein forms D387G.
Identifiers: ClinVar variation 1444680 (VCV001444680.5), dbSNP rs144714540, ClinGen allele CA826790.
Genomic context (GRCh38, chr1:45,343,329, plus strand): 5'-AGAAGCAGGTCTGTGGGGATAGCATCAAGCCTGAAGAAACCGAGCAGGAGGTGGCTGCCG[A>G]TGAAACTAGGAACCTGCCTCACTCCAAGCAAGGCAACAAAAATGACTTAGAGATGGGGAT-3'
Protein context (NP_079353.3, residues 377-397): PEETEQEVAA[Asp387Gly]ETRNLPHSKQ

ClinVar aggregate classification (germline): Uncertain significance (1 of 4 stars; one submission).

Allele frequency attached by ClinVar (database versions not stated): gnomAD exomes 0.00002 and 0.00008; ExAC 0.00008; gnomAD 0.00019 and 0.00021; ESP Exome Variant Server 0.00023; TOPMed 0.00036.

Submission:

Labcorp Genetics (formerly Invitae), Labcorp
Classification: Uncertain significance. Last evaluated: 2022-03-03. Review status: criteria provided, single submitter. Criteria: Invitae Variant Classification Sherloc (09022015). Collection method: clinical testing. Allele origin: germline.
Comment: This sequence change replaces aspartic acid, which is acidic and polar, with glycine, which is neutral and non-polar, at codon 387 of the TOE1 protein (p.Asp387Gly). This variant is present in population databases (rs144714540, gnomAD 0.09%). This variant has not been reported in the literature in individuals affected with TOE1-related conditions. Algorithms developed to predict the effect of missense changes on protein structure and function output the following: SIFT: "Tolerated"; PolyPhen-2: "Benign"; Align-GVGD: "Class C0". The glycine amino acid residue is found in multiple mammalian species, which suggests that this missense change does not adversely affect protein function. Algorithms developed to predict the effect of sequence changes on RNA splicing suggest that this variant may create or strengthen a splice site. In summary, the available evidence is currently insufficient to determine the role of this variant in disease. Therefore, it has been classified as a Variant of Uncertain Significance.